The following is an entry in ClinVar:

ClinVar aggregate classification (germline): Benign/Likely benign. Review status: criteria provided, multiple submitters, no conflicts (2 of 4 stars). 4 submissions from 4 submitters: Benign (1); Likely benign (3). Last evaluated 2025-09-01.

Conditions:
Inborn genetic diseases. Identifiers: MedGen C0950123, MeSH D030342.

Allele frequency attached by ClinVar (database versions not stated): gnomAD 0.00118; TOPMed 0.00131; 1000 Genomes Project 30x 0.00141; 1000 Genomes Project 0.00160; ESP Exome Variant Server 0.00171.

Submissions (4):

CeGaT Center for Human Genetics Tuebingen
Classification: Likely benign. Last evaluated: 2025-09-01. Review status: criteria provided, single submitter. Criteria: CeGaT Center For Human Genetics Tuebingen Variant Classification Criteria Version 2. Collection method: clinical testing. Allele origin: germline. Affected: yes. Observed: 3 variant alleles.
Comment: SHANK3: BP4, BP7

Blueprint Genetics
Classification: Likely benign. Last evaluated: 2024-03-09. Review status: criteria provided, single submitter. Criteria: ACMG Guidelines, 2015. Collection method: clinical testing. Allele origin: germline.

GeneDx
Classification: Benign. Last evaluated: 2020-03-20. Review status: criteria provided, single submitter. Criteria: GeneDx Variant Classification Process June 2021. Collection method: clinical testing. Allele origin: germline. Affected: yes.

Ambry Genetics
Classification: Likely benign for Inborn genetic diseases. Last evaluated: 2017-02-07. Review status: criteria provided, single submitter. Criteria: Ambry Variant Classification Scheme 2023. Collection method: clinical testing. Allele origin: germline.

NM_001372044.2(SHANK3):c.2118C>T (p.Ile706=)

Genes: SHANK3 (SH3 and multiple ankyrin repeat domains 3; plus strand), LOC126863188 (CDK7 strongly-dependent group 2 enhancer GRCh37_chr22:51142004-51143203; plus strand). Cytogenetic location: 22q13.33.
Variant type: single nucleotide variant.
Coding change: c.2118C>T on transcript NM_001372044.2 (MANE Select); coding-DNA position 2118, C replaced by T.
Protein change: p.Ile706=; no amino-acid change (isoleucine 706 retained).
Molecular consequence: synonymous variant.
Genome position (GRCh38, 1-based): chr22:50,704,859, C>T. VCF-style: chr22-50704859-C-T. GRCh37 (hg19) VCF-style: chr22-51143287-C-T.
Other names: c.1893C>T, p.Ile631= (NM_033517.1).
Identifiers: ClinVar variation 588762 (VCV000588762.30), dbSNP rs182897668, ClinGen allele CA10325682.